The following is an entry in ClinVar:

ClinVar aggregate classification (germline): Likely benign. Review status: criteria provided, multiple submitters, no conflicts (2 of 4 stars). 3 submissions from 3 submitters: Likely benign (3). Last evaluated 2026-09-01.

Conditions:
Perlman syndrome (PRLMNS). Identifiers: Orphanet 2849, MedGen C0796113, MONDO:0009965, OMIM 267000.

Allele frequency attached by ClinVar (database versions not stated): gnomAD 0.00001; gnomAD exomes 0.00001.
gnomAD v4.1: 30 of 1,550,774 alleles (0.0019%); highest among the groups gnomAD compares: Non-Finnish European, 0.0025%; no homozygotes.

Submissions (3):

CeGaT Center for Human Genetics Tuebingen
Classification: Likely benign. Last evaluated: 2026-09-01. Review status: criteria provided, single submitter. Criteria: CeGaT Center For Human Genetics Tuebingen Variant Classification Criteria Version 2. Collection method: clinical testing. Allele origin: germline. Affected: yes. Observed: 2 variant alleles.
Comment: DIS3L2: BP4, BP7

Labcorp Genetics (formerly Invitae), Labcorp
Classification: Likely benign for Perlman syndrome. Last evaluated: 2025-09-16. Review status: criteria provided, single submitter. Criteria: Invitae Variant Classification Sherloc (09022015). Collection method: clinical testing. Allele origin: germline.

Sema4
Classification: Likely benign for Perlman syndrome. Last evaluated: 2021-11-17. Review status: criteria provided, single submitter. Criteria: Sema4 Curation Guidelines. Collection method: curation. Allele origin: germline.

NM_152383.5(DIS3L2):c.2451G>A (p.Thr817=)

Gene: DIS3L2 (DIS3 like 3'-5' exoribonuclease 2; plus strand). Cytogenetic location: 2q37.1.
Variant type: single nucleotide variant.
Coding change: c.2451G>A on transcript NM_152383.5 (MANE Select); coding-DNA position 2451, G replaced by A.
Protein change: p.Thr817=; no amino-acid change (threonine 817 retained).
Molecular consequence: synonymous variant. On other transcripts: non-coding transcript variant (2), intron variant (1).
Genome position (GRCh38, 1-based): chr2:232,335,829, G>A. VCF-style: chr2-232335829-G-A. GRCh37 (hg19) VCF-style: chr2-233200539-G-A.
Other names: c.1582-7516G>A (NM_001257281.2).
Identifiers: ClinVar variation 698087 (VCV000698087.19), dbSNP rs1477139581, ClinGen allele CA431780970.